The following is an entry in ClinVar:

NM_005228.5(EGFR):c.1688T>A (p.Leu563Gln)

Gene: EGFR (epidermal growth factor receptor; plus strand). Cytogenetic location: 7p11.2.
Variant type: single nucleotide variant.
Coding change: c.1688T>A on transcript NM_005228.5 (MANE Select); coding-DNA position 1688, T replaced by A.
Protein change: p.Leu563Gln; replaces leucine 563 with glutamine.
Molecular consequence: missense variant.
Genome position (GRCh38, 1-based): chr7:55,163,789, T>A. VCF-style: chr7-55163789-T-A. GRCh37 (hg19) VCF-style: chr7-55231482-T-A.
Other names: c.1553T>A, p.Leu518Gln (NM_001346897.2, NM_001346899.2); c.1688T>A, p.Leu563Gln (NM_001346898.2, NM_201282.2, NM_201284.2); c.1529T>A, p.Leu510Gln (NM_001346900.2); c.887T>A, p.Leu296Gln (NM_001346941.2); short protein forms L296Q, L518Q, L563Q, L510Q.
Identifiers: ClinVar variation 1047076 (VCV001047076.8), dbSNP rs1785822698, ClinGen allele CA367580529.

ClinVar aggregate classification (germline): Uncertain significance (1 of 4 stars; one submission).

Conditions:
EGFR-related lung cancer (EGFR). Identifiers: MedGen CN130014.

Submission:

Labcorp Genetics (formerly Invitae), Labcorp
Classification: Uncertain significance for EGFR-related lung cancer. Last evaluated: 2020-05-27. Review status: criteria provided, single submitter. Criteria: Invitae Variant Classification Sherloc (09022015). Collection method: clinical testing. Allele origin: germline.
Comment: This sequence change replaces leucine with glutamine at codon 563 of the EGFR protein (p.Leu563Gln). The leucine residue is moderately conserved and there is a moderate physicochemical difference between leucine and glutamine. This variant is not present in population databases (ExAC no frequency). This variant has not been reported in the literature in individuals with EGFR-related conditions. Algorithms developed to predict the effect of missense changes on protein structure and function (SIFT, PolyPhen-2, Align-GVGD) all suggest that this variant is likely to be tolerated, but these predictions have not been confirmed by published functional studies and their clinical significance is uncertain. In summary, the available evidence is currently insufficient to determine the role of this variant in disease. Therefore, it has been classified as a Variant of Uncertain Significance.